The following is an entry in ClinVar:

NM_014956.5(CEP164):c.3089+6G>A

Gene: CEP164 (centrosomal protein 164; plus strand). Cytogenetic location: 11q23.3.
Variant type: single nucleotide variant.
Coding change: c.3089+6G>A on transcript NM_014956.5 (MANE Select); 6 bases into the intron after coding-DNA position 3089, G replaced by A.
Molecular consequence: intron variant.
Genome position (GRCh38, 1-based): chr11:117,395,728, G>A. VCF-style: chr11-117395728-G-A. GRCh37 (hg19) VCF-style: chr11-117266444-G-A.
Other names: c.3098+6G>A (NM_001271933.2); c.3089+6G>A (NM_014956.4).
Identifiers: ClinVar variation 1040366 (VCV001040366.9), dbSNP rs374896228, ClinGen allele CA6295315.
Genomic context (GRCh38, chr11:117,395,728, plus strand): 5'-AGTCCCAAGTGGATCTGCTGCAGGCTCAGAGCCAGCAACTGCAGAAACACTTCAGGTGGC[G>A]TGGGCACCCTGCACTTAGCCCTGCTGGCTGCCTCCTGCCTGCCCTCTGACCTCTGCTGCT-3'

ClinVar aggregate classification (germline): Uncertain significance. Review status: criteria provided, multiple submitters, no conflicts (2 of 4 stars). 3 submissions from 3 submitters: Uncertain significance (2). 1 of the submissions does not count toward it. Last evaluated 2025-03-19.

Conditions:
Inborn genetic diseases. Identifiers: MedGen C0950123, MeSH D030342.
Nephronophthisis 15 (NPHP15). Identifiers: Orphanet 3156, MedGen C3541853, MONDO:0013917, OMIM 614845.
CEP164-related disorder. Also called: CEP164-related condition.

Allele frequency attached by ClinVar (database versions not stated): ExAC 0.00002; gnomAD exomes 0.00001 and 0.00002; gnomAD 0.00001; TOPMed 0.00002; ESP Exome Variant Server 0.00008.
gnomAD v4.1: 28 of 1,604,750 alleles (0.0017%); highest among the groups gnomAD compares: Middle Eastern, 0.021%; no homozygotes.

Submissions (3):

Ambry Genetics
Classification: Uncertain significance for Inborn genetic diseases. Last evaluated: 2025-03-19. Review status: criteria provided, single submitter. Criteria: Ambry Variant Classification Scheme 2023. Collection method: clinical testing. Allele origin: germline.
Comment: The c.3089+6G>A intronic alteration consists of a G to A substitution 6 nucleotides after exon 24 (coding exon 22) of the CEP164 gene. Based on insufficient or conflicting evidence, the clinical significance of this alteration remains unclear.

Labcorp Genetics (formerly Invitae), Labcorp
Classification: Uncertain significance for Nephronophthisis 15. Last evaluated: 2022-02-25. Review status: criteria provided, single submitter. Criteria: Invitae Variant Classification Sherloc (09022015). Collection method: clinical testing. Allele origin: germline.
Comment: Variants that disrupt the consensus splice site are a relatively common cause of aberrant splicing (PMID: 17576681, 9536098). Algorithms developed to predict the effect of sequence changes on RNA splicing suggest that this variant is not likely to affect RNA splicing. ClinVar contains an entry for this variant (Variation ID: 1040366). This variant has not been reported in the literature in individuals affected with CEP164-related conditions. This variant is present in population databases (rs374896228, gnomAD 0.0009%). This sequence change falls in intron 24 of the CEP164 gene. It does not directly change the encoded amino acid sequence of the CEP164 protein. It affects a nucleotide within the consensus splice site. In summary, the available evidence is currently insufficient to determine the role of this variant in disease. Therefore, it has been classified as a Variant of Uncertain Significance.

PreventionGenetics, part of Exact Sciences
Classification: Likely benign for CEP164-related condition. Last evaluated: 2021-04-15. Review status: no assertion criteria provided. Collection method: clinical testing. Allele origin: germline. Not counted in ClinVar's aggregate classification.
Comment: This variant is classified as likely benign based on ACMG/AMP sequence variant interpretation guidelines (Richards et al. 2015 PMID: 25741868, with internal and published modifications).

Literature cited by the submitters: PubMed 17576681 (cited by Labcorp Genetics (formerly Invitae), Labcorp); PubMed 9536098 (cited by Labcorp Genetics (formerly Invitae), Labcorp).